The following is an entry in ClinVar:

NM_002585.4(PBX1):c.729A>G (p.Gln243=)

Gene: PBX1 (PBX homeobox 1; plus strand). Cytogenetic location: 1q23.3.
Variant type: single nucleotide variant.
Coding change: c.729A>G on transcript NM_002585.4 (MANE Select); coding-DNA position 729, A replaced by G.
Protein change: p.Gln243=; no amino-acid change (glutamine 243 retained).
Molecular consequence: synonymous variant.
Genome position (GRCh38, 1-based): chr1:164,807,569, A>G. VCF-style: chr1-164807569-A-G. GRCh37 (hg19) VCF-style: chr1-164776806-A-G.
Other names: c.729A>G, p.Gln243= (NM_001204961.2, NM_001204963.2, NM_001353131.2); c.480A>G, p.Gln160= (NM_001353130.1); c.729A>G (NM_002585.3).
Identifiers: ClinVar variation 4704979 (VCV004704979.2).
Genomic context (GRCh38, chr1:164,807,569, plus strand): 5'-CTTTTTGTTATTATTTCCTTTCTCTTTACAAAGGCGGAAGAGACGGAATTTCAACAAGCA[A>G]GCGACAGAAATCCTGAATGAATATTTCTATTCCCATCTCAGCAACCCTTACCCCAGTGAG-3'
Protein context (NP_002576.1, residues 233-253): ARRKRRNFNK[Gln243=]ATEILNEYFY

ClinVar aggregate classification (germline): Likely benign. Review status: criteria provided, multiple submitters, no conflicts (2 of 4 stars). 2 submissions from 2 submitters: Likely benign (2). Last evaluated 2026-01-08.

Conditions:
PBX1-related disorder. Also called: PBX1-related condition.

gnomAD v4.1: 18 of 1,613,808 alleles (0.0011%); highest among the groups gnomAD compares: Admixed American, 0.027%; no homozygotes.

Submissions (2):

PreventionGenetics, part of Exact Sciences
Classification: Likely benign for PBX1-related condition. Last evaluated: 2026-01-08. Review status: criteria provided, single submitter. Criteria: ACMG Guidelines, 2015. Collection method: clinical testing. Allele origin: germline.
Comment: This variant is classified as likely benign based on ACMG/AMP sequence variant interpretation guidelines (Richards et al. 2015 PMID: 25741868, with internal and published modifications).

Labcorp Genetics (formerly Invitae), Labcorp
Classification: Likely benign. Last evaluated: 2025-10-05. Review status: criteria provided, single submitter. Criteria: Invitae Variant Classification Sherloc (09022015). Collection method: clinical testing. Allele origin: germline.